The following is an entry in ClinVar:

NM_144599.5(NIPA1):c.731A>G (p.Gln244Arg)

Gene: NIPA1 (NIPA magnesium transporter 1; plus strand). Cytogenetic location: 15q11.2.
Variant type: single nucleotide variant.
Coding change: c.731A>G on transcript NM_144599.5 (MANE Select); coding-DNA position 731, A replaced by G.
Protein change: p.Gln244Arg; replaces glutamine 244 with arginine.
Molecular consequence: missense variant.
Genome position (GRCh38, 1-based): chr15:22,823,980, A>G. VCF-style: chr15-22823980-A-G. GRCh37 (hg19) VCF-style: chr15-23049088-T-C.
Other names: c.506A>G, p.Gln169Arg (NM_001142275.1); short protein forms Q169R, Q244R.
Identifiers: ClinVar variation 948417 (VCV000948417.9), dbSNP rs1895598333, ClinGen allele CA391304036.
Genomic context (GRCh38, chr15:22,823,980, plus strand): 5'-AGAGAGCCCTCTGCCTGTGCCTGGTACTCCTGGCCGTGCTCGGCTGCAGCATCATCGTCC[A>G]GTTCAGGTACATCAACAAGGCGCTGGAGTGCTTCGACTCCTCGGTGTTCGGGGCCATCTA-3'
Protein context (NP_653200.2, residues 234-254): LAVLGCSIIV[Gln244Arg]FRYINKALEC

ClinVar aggregate classification (germline): Pathogenic (1 of 4 stars; one submission).

Conditions:
Hereditary spastic paraplegia 6 (SPG6). Also called: SPASTIC PARAPLEGIA 6, AUTOSOMAL DOMINANT. Identifiers: Orphanet 100988, MedGen C1838192, MONDO:0010878, OMIM 600363.

Submission:

Labcorp Genetics (formerly Invitae), Labcorp
Classification: Pathogenic for Hereditary spastic paraplegia 6. Last evaluated: 2023-01-28. Review status: criteria provided, single submitter. Criteria: Invitae Variant Classification Sherloc (09022015). Collection method: clinical testing. Allele origin: germline.
Comment: For these reasons, this variant has been classified as Pathogenic. Algorithms developed to predict the effect of missense changes on protein structure and function are either unavailable or do not agree on the potential impact of this missense change (SIFT: "Deleterious"; PolyPhen-2: "Probably Damaging"; Align-GVGD: "Class C0"). ClinVar contains an entry for this variant (Variation ID: 948417). This missense change has been observed in individual(s) with hereditary spastic paraplegia (PMID: 27084228; Invitae). In at least one individual the variant was observed to be de novo. It has also been observed to segregate with disease in related individuals. This variant is not present in population databases (gnomAD no frequency). This sequence change replaces glutamine, which is neutral and polar, with arginine, which is basic and polar, at codon 244 of the NIPA1 protein (p.Gln244Arg).

Literature cited by the submitters: PubMed 27084228.